The following is an entry in ClinVar:

NM_000038.6(APC):c.3730C>G (p.Gln1244Glu)

Gene: APC (APC regulator of Wnt signaling pathway; plus strand). Cytogenetic location: 5q22.2.
Variant type: single nucleotide variant.
Coding change: c.3730C>G on transcript NM_000038.6 (MANE Select); coding-DNA position 3730, C replaced by G.
Protein change: p.Gln1244Glu; replaces glutamine 1244 with glutamic acid.
Molecular consequence: missense variant.
Genome position (GRCh38, 1-based): chr5:112,839,324, C>G. VCF-style: chr5-112839324-C-G. GRCh37 (hg19) VCF-style: chr5-112175021-C-G.
Other names: c.3730C>G, p.Gln1244Glu (NM_001127510.3, NM_001354895.2); c.3676C>G, p.Gln1226Glu (NM_001127511.3); c.3784C>G, p.Gln1262Glu (NM_001354896.2); c.3760C>G, p.Gln1254Glu (NM_001354897.2); c.3655C>G, p.Gln1219Glu (NM_001354898.2); c.3646C>G, p.Gln1216Glu (NM_001354899.2); c.3607C>G, p.Gln1203Glu (NM_001354900.2); c.3553C>G, p.Gln1185Glu (NM_001354901.2); and 5 more; short protein forms Q1244E, Q1226E, Q1084E, Q1219E, Q1203E, Q1254E, Q1118E, Q1153E.
Identifiers: ClinVar variation 469937 (VCV000469937.10), dbSNP rs79122263, ClinGen allele CA16029516.

ClinVar aggregate classification (germline): Uncertain significance (1 of 4 stars; one submission).

Conditions:
Familial adenomatous polyposis 1 (FAP1). Also called: POLYPOSIS, ADENOMATOUS INTESTINAL; FAMILIAL ADENOMATOUS POLYPOSIS 1, ATTENUATED. Identifiers: MedGen C2713442, MONDO:0021056, OMIM 175100. Disease mechanism: loss of function.

Submission:

Labcorp Genetics (formerly Invitae), Labcorp
Classification: Uncertain significance for Familial adenomatous polyposis 1. Last evaluated: 2022-10-18. Review status: criteria provided, single submitter. Criteria: Invitae Variant Classification Sherloc (09022015). Collection method: clinical testing. Allele origin: germline.
Comment: This sequence change replaces glutamine, which is neutral and polar, with glutamic acid, which is acidic and polar, at codon 1244 of the APC protein (p.Gln1244Glu). This variant is not present in population databases (gnomAD no frequency). This variant has not been reported in the literature in individuals affected with APC-related conditions. ClinVar contains an entry for this variant (Variation ID: 469937). Advanced modeling of protein sequence and biophysical properties (such as structural, functional, and spatial information, amino acid conservation, physicochemical variation, residue mobility, and thermodynamic stability) performed at Invitae indicates that this missense variant is not expected to disrupt APC protein function. In summary, the available evidence is currently insufficient to determine the role of this variant in disease. Therefore, it has been classified as a Variant of Uncertain Significance.